The following is an entry in ClinVar:

ClinVar aggregate classification (germline): Uncertain significance (1 of 4 stars; one submission).

Conditions:
Retinitis pigmentosa 59 (RP59). Identifiers: Orphanet 791, MedGen C3151227, MONDO:0013468, OMIM 613861.

Allele frequency attached by ClinVar (database versions not stated): gnomAD exomes below 0.00001; ExAC 0.00001.
gnomAD v4.1: 1 of 1,614,200 alleles (0.000062%); highest among the groups gnomAD compares: Non-Finnish European, 0.000085%; no homozygotes.

Submission:

Labcorp Genetics (formerly Invitae), Labcorp
Classification: Uncertain significance for Retinitis pigmentosa 59. Last evaluated: 2022-08-23. Review status: criteria provided, single submitter. Criteria: Invitae Variant Classification Sherloc (09022015). Collection method: clinical testing. Allele origin: germline.
Comment: This sequence change replaces alanine, which is neutral and non-polar, with valine, which is neutral and non-polar, at codon 77 of the DHDDS protein (p.Ala77Val). This variant is present in population databases (rs745986577, gnomAD 0.0009%). This variant has not been reported in the literature in individuals affected with DHDDS-related conditions. Algorithms developed to predict the effect of missense changes on protein structure and function (SIFT, PolyPhen-2, Align-GVGD) all suggest that this variant is likely to be disruptive. In summary, the available evidence is currently insufficient to determine the role of this variant in disease. Therefore, it has been classified as a Variant of Uncertain Significance.

NM_205861.3(DHDDS):c.230C>T (p.Ala77Val)

Gene: DHDDS (dehydrodolichyl diphosphate synthase subunit; plus strand). Cytogenetic location: 1p36.11.
Variant type: single nucleotide variant.
Coding change: c.230C>T on transcript NM_205861.3 (MANE Select); coding-DNA position 230, C replaced by T.
Protein change: p.Ala77Val; replaces alanine 77 with valine.
Molecular consequence: missense variant. On other transcripts: 5 prime UTR variant (1).
Genome position (GRCh38, 1-based): chr1:26,442,780, C>T. VCF-style: chr1-26442780-C-T. GRCh37 (hg19) VCF-style: chr1-26769271-C-T.
Other names: c.230C>T, p.Ala77Val (NM_001243564.2, NM_001243565.2, NM_024887.4); c.-50C>T (NM_001319959.2); short protein forms A77V.
Identifiers: ClinVar variation 2102236 (VCV002102236.1), dbSNP rs745986577, ClinGen allele CA705276.